The following is an entry in ClinVar:

ClinVar aggregate classification (germline): Benign/Likely benign. Review status: criteria provided, multiple submitters, no conflicts (2 of 4 stars). 3 submissions from 2 submitters: Benign (1); Likely benign (2). Last evaluated 2025-07-25.

Conditions:
Autosomal dominant nonsyndromic hearing loss 17. Also called: Deafness, autosomal dominant 17; Autosomal dominant nonsyndromic deafness 17. Identifiers: Orphanet 90635, MedGen C1863659, MONDO:0011350, OMIM 603622.
MYH9-related disorder. Identifiers: MedGen C1854520.

Allele frequency attached by ClinVar (database versions not stated): gnomAD below 0.00001 and 0.00004; ExAC 0.00010.
gnomAD v4.1: 61 of 1,613,994 alleles (0.0038%); highest among the groups gnomAD compares: South Asian, 0.067%; 2 homozygotes.

Submissions (3):

Labcorp Genetics (formerly Invitae), Labcorp
Classification: Likely benign. Last evaluated: 2025-07-25. Review status: criteria provided, single submitter. Criteria: Invitae Variant Classification Sherloc (09022015). Collection method: clinical testing. Allele origin: germline.

Illumina Laboratory Services, Illumina
Classification: Benign for MYH9-related disorder. Last evaluated: 2018-01-13. Review status: criteria provided, single submitter. Criteria: ICSL Variant Classification Criteria 13 December 2019. Collection method: clinical testing. Allele origin: germline.
Comment: This variant was observed in the ICSL laboratory as part of a predisposition screen in an ostensibly healthy population. It had not been previously curated by ICSL or reported in the Human Gene Mutation Database (HGMD: prior to June 1st, 2018), and was therefore a candidate for classification through an automated scoring system. Utilizing variant allele frequency, disease prevalence and penetrance estimates, and inheritance mode, an automated score was calculated to assess if this variant is too frequent to cause the disease. Based on the score and internal cut-off values, a variant classified as benign is not then subjected to further curation. The score for this variant resulted in a classification of benign for this disease.

Illumina Laboratory Services, Illumina
Classification: Likely benign for Autosomal dominant nonsyndromic hearing loss 17. Last evaluated: 2018-01-13. Review status: criteria provided, single submitter. Criteria: ICSL Variant Classification Criteria 13 December 2019. Collection method: clinical testing. Allele origin: germline.
Comment: This variant was observed in the ICSL laboratory as part of a predisposition screen in an ostensibly healthy population. It had not been previously curated by ICSL or reported in the Human Gene Mutation Database (HGMD: prior to June 1st, 2018), and was therefore a candidate for classification through an automated scoring system. Utilizing variant allele frequency, disease prevalence and penetrance estimates, and inheritance mode, an automated score was calculated to assess if this variant is too frequent to cause the disease. Based on the score and internal cut-off values, a variant classified as likely benign is not then subjected to further curation. The score for this variant resulted in a classification of likely benign for this disease.

NM_002473.6(MYH9):c.2217G>C (p.Ala739=)

Gene: MYH9 (myosin heavy chain 9; minus strand). Cytogenetic location: 22q12.3.
Variant type: single nucleotide variant.
Coding change: c.2217G>C on transcript NM_002473.6 (MANE Select); coding-DNA position 2217, G replaced by C.
Protein change: p.Ala739=; no amino-acid change (alanine 739 retained).
Molecular consequence: synonymous variant.
Genome position (GRCh38, 1-based): chr22:36,305,045, C>G on the plus strand (G>C on the coding strand, the complement: MYH9 is on the minus strand). VCF-style: chr22-36305045-C-G. GRCh37 (hg19) VCF-style: chr22-36701091-C-G.
Identifiers: ClinVar variation 902820 (VCV000902820.6), dbSNP rs756586731, ClinGen allele CA10210051.